The following is an entry in ClinVar:

ClinVar aggregate classification (germline): Benign (1 of 4 stars; one submission).

Allele frequency attached by ClinVar (database versions not stated): 1000 Genomes Project 30x 0.07105; 1000 Genomes Project 0.07188; ESP Exome Variant Server 0.09852; TOPMed 0.09863.
gnomAD v4.1: 172,843 of 1,593,222 alleles (11%); highest among the groups gnomAD compares: Middle Eastern, 22%; 10,147 homozygotes.

Submission:

Unidad de Genómica Garrahan, Hospital de Pediatría Garrahan
Classification: Benign. Last evaluated: 2024-01-24. Review status: criteria provided, single submitter. Criteria: ACMG Guidelines, 2015. Collection method: clinical testing. Allele origin: germline. Affected: no. Observed: 25 variant alleles.
Comment: This variant is classified as Benign based on local population frequency. This variant was detected in 28% of patients studied by a panel of primary immunodeficiencies. Number of patients: 25. Only high quality variants are reported.

NM_018248.3(NEIL3):c.350C>G (p.Pro117Arg)

Gene: NEIL3 (nei like DNA glycosylase 3; plus strand). Cytogenetic location: 4q34.3.
Variant type: single nucleotide variant.
Coding change: c.350C>G on transcript NM_018248.3 (MANE Select); coding-DNA position 350, C replaced by G.
Protein change: p.Pro117Arg; replaces proline 117 with arginine.
Molecular consequence: missense variant.
Genome position (GRCh38, 1-based): chr4:177,335,759, C>G. VCF-style: chr4-177335759-C-G. GRCh37 (hg19) VCF-style: chr4-178256913-C-G.
Other names: short protein forms P117R.
Identifiers: ClinVar variation 2688466 (VCV002688466.2), dbSNP rs7689099, ClinGen allele CA3146223.